The following is an entry in ClinVar:

NM_004946.3(DOCK2):c.5302G>A (p.Val1768Met)

Gene: DOCK2 (dedicator of cytokinesis 2; plus strand). Cytogenetic location: 5q35.1.
Variant type: single nucleotide variant.
Coding change: c.5302G>A on transcript NM_004946.3 (MANE Select); coding-DNA position 5302, G replaced by A.
Protein change: p.Val1768Met; replaces valine 1768 with methionine.
Molecular consequence: missense variant. On other transcripts: non-coding transcript variant (1).
Genome position (GRCh38, 1-based): chr5:170,081,856, G>A. VCF-style: chr5-170081856-G-A. GRCh37 (hg19) VCF-style: chr5-169508860-G-A.
Other names: short protein forms V1768M.
Identifiers: ClinVar variation 3084984 (VCV003084984.2), dbSNP rs2532522844, ClinGen allele CA362118874.

ClinVar aggregate classification (germline): Uncertain significance. Review status: criteria provided, multiple submitters, no conflicts (2 of 4 stars). 2 submissions from 2 submitters: Uncertain significance (2). Last evaluated 2025-03-13.

Conditions:
Inborn genetic diseases. Identifiers: MedGen C0950123, MeSH D030342.
DOCK2 deficiency. Also called: Immunodeficiency 40. Identifiers: Orphanet 447737, MedGen C4225328, MONDO:0014637, OMIM 616433.

Submissions (2):

Labcorp Genetics (formerly Invitae), Labcorp
Classification: Uncertain significance for DOCK2 deficiency. Last evaluated: 2025-03-13. Review status: criteria provided, single submitter. Criteria: Invitae Variant Classification Sherloc (09022015). Collection method: clinical testing. Allele origin: germline.
Comment: This sequence change replaces valine, which is neutral and non-polar, with methionine, which is neutral and non-polar, at codon 1768 of the DOCK2 protein (p.Val1768Met). This variant is not present in population databases (gnomAD no frequency). This variant has not been reported in the literature in individuals affected with DOCK2-related conditions. ClinVar contains an entry for this variant (Variation ID: 3084984). An algorithm developed to predict the effect of missense changes on protein structure and function (PolyPhen-2) suggests that this variant is likely to be tolerated. In summary, the available evidence is currently insufficient to determine the role of this variant in disease. Therefore, it has been classified as a Variant of Uncertain Significance.

Ambry Genetics
Classification: Uncertain significance for Inborn genetic diseases. Last evaluated: 2024-01-04. Review status: criteria provided, single submitter. Criteria: Ambry Variant Classification Scheme 2023. Collection method: clinical testing. Allele origin: germline.